The following is an entry in ClinVar:

ClinVar aggregate classification (germline): Uncertain significance (1 of 4 stars; one submission).

Submission:

Labcorp Genetics (formerly Invitae), Labcorp
Classification: Uncertain significance. Last evaluated: 2025-01-06. Review status: criteria provided, single submitter. Criteria: Invitae Variant Classification Sherloc (09022015). Collection method: clinical testing. Allele origin: germline.
Comment: This sequence change affects a splice site in intron 1 of the DNA2 gene. It is expected to disrupt RNA splicing. Variants that disrupt the donor or acceptor splice site typically lead to a loss of protein function (PMID: 16199547), however the current clinical and genetic evidence is not sufficient to establish whether loss-of-function variants in DNA2 cause disease. This variant is present in population databases (rs769190930, gnomAD 0.003%). This variant has not been reported in the literature in individuals affected with DNA2-related conditions. In summary, the available evidence is currently insufficient to determine the role of this variant in disease. Therefore, it has been classified as a Variant of Uncertain Significance.

Literature cited by the submitters: PubMed 16199547.

NM_001080449.3(DNA2):c.64_74+1dup

Gene: DNA2 (DNA replication helicase/nuclease 2; minus strand). Cytogenetic location: 10q21.3.
Variant type: Duplication.
Coding change: c.64_74+1dup on transcript NM_001080449.3 (MANE Select); coding-DNA position 64 through the canonical splice donor site of the intron after coding-DNA position 74, 12 bases duplicated (CCGGCGGAGCTG).
Molecular consequence: splice donor variant.
Genome position (GRCh38, 1-based): chr10:68,471,790-68,471,801, CAGCTCCGCCGG duplicated on the plus strand (CCGGCGGAGCTG on the coding strand, the reverse complement: DNA2 is on the minus strand); duplicating any 12 consecutive bases within chr10:68,471,790-68,471,811 gives the same sequence; the c. name uses the placement nearest the transcript's 3' end. VCF-style (leftmost placement, unchanged base first): chr10-68471789-A-ACAGCTCCGCCGG. GRCh37 (hg19) VCF-style: chr10-70231546-A-ACAGCTCCGCCGG.
Identifiers: ClinVar variation 3611583 (VCV003611583.2).